The following is an entry in ClinVar:

ClinVar aggregate classification (germline): Likely benign (1 of 4 stars; one submission).

Allele frequency attached by ClinVar (database versions not stated): ExAC 0.00104; ESP Exome Variant Server 0.00138; gnomAD 0.00139; gnomAD exomes 0.00146; TOPMed 0.00158; 1000 Genomes Project 0.00180; 1000 Genomes Project 30x 0.00219.
gnomAD v4.1: 2,340 of 1,613,722 alleles (0.15%); highest among the groups gnomAD compares: African/African-American, 0.18%; 2 homozygotes.

Submission:

CeGaT Center for Human Genetics Tuebingen
Classification: Likely benign. Last evaluated: 2022-09-01. Review status: criteria provided, single submitter. Criteria: CeGaT Center For Human Genetics Tuebingen Variant Classification Criteria Version 2. Collection method: clinical testing. Allele origin: germline. Affected: yes. Observed: 1 variant allele.
Comment: SDK1: BP4, BP7

NM_152744.4(SDK1):c.5049C>T (p.Ile1683=)

Gene: SDK1 (sidekick cell adhesion molecule 1; plus strand). Cytogenetic location: 7p22.2.
Variant type: single nucleotide variant.
Coding change: c.5049C>T on transcript NM_152744.4 (MANE Select); coding-DNA position 5049, C replaced by T.
Protein change: p.Ile1683=; no amino-acid change (isoleucine 1683 retained).
Molecular consequence: synonymous variant.
Genome position (GRCh38, 1-based): chr7:4,178,537, C>T. VCF-style: chr7-4178537-C-T. GRCh37 (hg19) VCF-style: chr7-4218169-C-T.
Other names: c.510C>T, p.Ile170= (NM_001079653.2).
Identifiers: ClinVar variation 2657252 (VCV002657252.24), dbSNP rs139066663, ClinGen allele CA4135436.
Genomic context (GRCh38, chr7:4,178,537, plus strand): 5'-CCCTGCAGATTTAAAGAAGTACCGGCGCTATGAAGTAATAATGACCGCCTATAACATCAT[C>T]GGCGAGAGCCCAGCCAGCGCGCCCGTGGAGGTCTTTGTCGGCGAGGCTGGTAAGCTCCGT-3'
Protein context (NP_689957.3, residues 1673-1693): YEVIMTAYNI[Ile1683=]GESPASAPVE